The following is an entry in ClinVar:

ClinVar aggregate classification (germline): Uncertain significance. Review status: criteria provided, multiple submitters, no conflicts (2 of 4 stars). 2 submissions from 2 submitters: Uncertain significance (2). Last evaluated 2022-01-25.

Conditions:
Methylmalonic acidemia with homocystinuria, type cblX (MAHCX). Also called: INTELLECTUAL DEVELOPMENTAL DISORDER, X-LINKED 3. Identifiers: Orphanet 369962, MedGen C0796208, MONDO:0010657, OMIM 309541.

Submissions (2):

GeneDx
Classification: Uncertain significance. Last evaluated: 2022-01-25. Review status: criteria provided, single submitter. Criteria: GeneDx Variant Classification Process June 2021. Collection method: clinical testing. Allele origin: germline. Affected: yes.
Comment: Not observed at significant frequency in large population cohorts (gnomAD); In silico analysis supports that this missense variant has a deleterious effect on protein structure/function; Has not been previously published as pathogenic or benign to our knowledge

Revvity Omics, Revvity
Classification: Uncertain significance for Methylmalonic acidemia with homocystinuria, type cblX. Last evaluated: 2020-12-14. Review status: criteria provided, single submitter. Criteria: ACMG Guidelines, 2015. Collection method: clinical testing. Allele origin: germline.

NM_005334.3(HCFC1):c.1031G>A (p.Arg344His)

Gene: HCFC1 (host cell factor C1; minus strand). Cytogenetic location: Xq28.
Variant type: single nucleotide variant.
Coding change: c.1031G>A on transcript NM_005334.3 (MANE Select); coding-DNA position 1031, G replaced by A.
Protein change: p.Arg344His; replaces arginine 344 with histidine.
Molecular consequence: missense variant.
Genome position (GRCh38, 1-based): chrX:153,960,288, C>T on the plus strand (G>A on the coding strand, the complement: HCFC1 is on the minus strand). VCF-style: chrX-153960288-C-T. GRCh37 (hg19) VCF-style: chrX-153225739-C-T.
Other names: short protein forms R344H.
Identifiers: ClinVar variation 1698270 (VCV001698270.4), dbSNP rs2148589382, ClinGen allele CA415144460.